The following is an entry in ClinVar:

NM_020975.6(RET):c.1847A>G (p.Glu616Gly)

Gene: RET (ret proto-oncogene; plus strand). Cytogenetic location: 10q11.21.
Variant type: single nucleotide variant.
Coding change: c.1847A>G on transcript NM_020975.6 (MANE Select); coding-DNA position 1847, A replaced by G.
Protein change: p.Glu616Gly; replaces glutamic acid 616 with glycine.
Molecular consequence: missense variant. On other transcripts: intron variant (2).
Genome position (GRCh38, 1-based): chr10:43,113,643, A>G. VCF-style: chr10-43113643-A-G. GRCh37 (hg19) VCF-style: chr10-43609091-A-G.
Other names: c.1559A>G, p.Glu520Gly (NM_001406770.1, NM_001406766.1, NM_001406767.1); c.1409A>G, p.Glu470Gly (NM_001406771.1, NM_001406773.1); c.1451A>G, p.Glu484Gly (NM_001406772.1, NM_001406769.1); c.1322A>G, p.Glu441Gly (NM_001406774.1); c.1121A>G, p.Glu374Gly (NM_001406775.1, NM_001406776.1, NM_001406777.1 and 1 more transcripts); c.1085A>G, p.Glu362Gly (NM_001355216.2); c.1847A>G, p.Glu616Gly (NM_001406743.1, NM_001406744.1, NM_001406759.1 and 4 more transcripts); c.662A>G, p.Glu221Gly (NM_001406790.1, NM_001406788.1, NM_001406789.1); and 7 more; short protein forms E133G, E221G, E274G, E286G, E317G, E362G, E374G, E441G.
Identifiers: ClinVar variation 4863285 (VCV004863285.1).

ClinVar aggregate classification (germline): Uncertain significance (1 of 4 stars; one submission).

Conditions:
Hereditary cancer-predisposing syndrome. Also called: Neoplastic Syndromes, Hereditary; Tumor predisposition; Hereditary Cancer Syndrome; Hereditary neoplastic syndrome. Identifiers: Orphanet 140162, MedGen C0027672, MeSH D009386, MONDO:0015356.

Submission:

Ambry Genetics
Classification: Uncertain significance for Hereditary cancer-predisposing syndrome. Last evaluated: 2026-06-09. Review status: criteria provided, single submitter. Criteria: Ambry Variant Classification Scheme 2023. Collection method: clinical testing. Allele origin: germline.
Comment: The p.E616G variant (also known as c.1847A>G), located in coding exon 10 of the RET gene, results from an A to G substitution at nucleotide position 1847. The glutamic acid at codon 616 is replaced by glycine, an amino acid with similar properties. This amino acid position is conserved. In addition, the in silico prediction for this alteration is inconclusive. Based on the available evidence, the clinical significance of this variant remains unclear.